The following is an entry in ClinVar:

NM_001330078.2(NRXN1):c.833-7C>G

Gene: NRXN1 (neurexin 1; minus strand). Cytogenetic location: 2p16.3.
Variant type: single nucleotide variant.
Coding change: c.833-7C>G on transcript NM_001330078.2 (MANE Select); 7 bases into the intron before coding-DNA position 833, C replaced by G.
Molecular consequence: intron variant.
Genome position (GRCh38, 1-based): chr2:50,623,622, G>C on the plus strand (C>G on the coding strand, the complement: NRXN1 is on the minus strand). VCF-style: chr2-50623622-G-C. GRCh37 (hg19) VCF-style: chr2-50850760-G-C.
Other names: c.773-7C>G (NM_001330096.2, NM_001330087.2, NM_001330083.2 and 1 more transcripts); c.803-7C>G (NM_001330088.2); c.830-7C>G (NM_001330093.2); c.821-7C>G (NM_001330094.2); c.833-7C>G (NM_001330095.2, NM_001330082.2, NM_001330077.2 and 3 more transcripts); c.932-7C>G (NM_001135659.3).
Identifiers: ClinVar variation 668290 (VCV000668290.1), dbSNP rs761042625, ClinGen allele CA915943811.

ClinVar aggregate classification (germline): Likely benign (1 of 4 stars; one submission).

Submission:

GeneDx
Classification: Likely benign. Last evaluated: 2018-05-08. Review status: criteria provided, single submitter. Criteria: GeneDx Variant Classification (06012015). Collection method: clinical testing. Allele origin: germline. Affected: yes.
Comment: This variant is considered likely benign or benign based on one or more of the following criteria: it is a conservative change, it occurs at a poorly conserved position in the protein, it is predicted to be benign by multiple in silico algorithms, and/or has population frequency not consistent with disease.